The following is an entry in ClinVar:

ClinVar aggregate classification (germline): Pathogenic. Review status: reviewed by expert panel (3 of 4 stars). 7 submissions from 7 submitters: Pathogenic (1). 6 of the submissions do not count toward it. Last evaluated 2016-09-08.

Conditions:
Hereditary breast ovarian cancer syndrome. Also called: Hereditary breast and ovarian cancer syndrome; Hereditary breast and ovarian cancer; Hereditary breast and ovarian cancer syndrome (HBOC); Breast and ovarian cancer; Hereditary breast and/or ovarian cancer syndrome; BRCA1- and BRCA2-Associated Hereditary Breast and Ovarian Cancer. Identifiers: Orphanet 145, MedGen C0677776, MeSH D061325, MONDO:0003582. Disease mechanism: loss of function.
Familial cancer of breast. Also called: BREAST CANCER, FAMILIAL; Hereditary breast cancer; hereditary breast carcinoma. Identifiers: Orphanet 227535, MedGen C0346153, MONDO:0016419, OMIM 114480. Disease mechanism: loss of function.
Hereditary cancer-predisposing syndrome. Also called: Neoplastic Syndromes, Hereditary; Tumor predisposition; Hereditary Cancer Syndrome; Hereditary neoplastic syndrome. Identifiers: Orphanet 140162, MedGen C0027672, MeSH D009386, MONDO:0015356.
Breast-ovarian cancer, familial, susceptibility to, 2 (BROVCA2). Also called: BRCA2 Hereditary Breast and Ovarian Cancer. Identifiers: Orphanet 145, MedGen C2675520, MONDO:0012933, OMIM 612555. Disease mechanism: loss of function.

Submissions (7):

Evidence-based Network for the Interpretation of Germline Mutant Alleles (ENIGMA)
Classification: Pathogenic for Breast-ovarian cancer, familial, susceptibility to, 2. Last evaluated: 2016-09-08. Review status: reviewed by expert panel. Criteria: ENIGMA BRCA1/2 Classification Criteria (2015). Collection method: curation. Allele origin: germline.
Comment: Variant allele predicted to encode a truncated non-functional protein.

Ambry Genetics
Classification: Pathogenic for Hereditary cancer-predisposing syndrome. Last evaluated: 2024-09-30. Review status: criteria provided, single submitter. Criteria: Ambry Variant Classification Scheme 2023. Collection method: clinical testing. Allele origin: germline. Not counted in ClinVar's aggregate classification.
Comment: The p.Q1429* pathogenic mutation (also known as c.4285C>T), located in coding exon 10 of the BRCA2 gene, results from a C to T substitution at nucleotide position 4285. This changes the amino acid from a glutamine to a stop codon within coding exon 10. This alteration is expected to result in loss of function by premature protein truncation or nonsense-mediated mRNA decay. As such, this alteration is interpreted as a disease-causing mutation.

Labcorp Genetics (formerly Invitae), Labcorp
Classification: Pathogenic for Hereditary breast ovarian cancer syndrome. Last evaluated: 2024-06-12. Review status: criteria provided, single submitter. Criteria: Invitae Variant Classification Sherloc (09022015). Collection method: clinical testing. Allele origin: germline. Not counted in ClinVar's aggregate classification.
Comment: This sequence change creates a premature translational stop signal (p.Gln1429*) in the BRCA2 gene. It is expected to result in an absent or disrupted protein product. Loss-of-function variants in BRCA2 are known to be pathogenic (PMID: 20104584). This variant is not present in population databases (gnomAD no frequency). This variant has not been reported in the literature in individuals affected with BRCA2-related conditions. ClinVar contains an entry for this variant (Variation ID: 51627). For these reasons, this variant has been classified as Pathogenic.

Institute for Genomic Medicine (IGM) Clinical Laboratory, Nationwide Children's Hospital
Classification: Pathogenic for Hereditary cancer-predisposing syndrome. Last evaluated: 2023-11-06. Review status: criteria provided, single submitter. Criteria: ACMG Guidelines, 2015. Collection method: clinical testing. Allele origin: germline. Not counted in ClinVar's aggregate classification.
Comment: This variant is predicted to result in loss of function through nonsense-mediated decay of the encoded transcript or premature truncation of the encoded protein in a gene in which loss of function is a known mechanism of disease (ACMG/AMP: PVS1; PMID:20104584). This variant has been reported at an elevated frequency in affected individuals/in multiple affected individuals in the literature (ACMG/AMP: PS4_Supporting; PMID:20122277). This variant is absent from or present at an exceedingly low frequency in gnomAD, a large-scale control population database (ACMG/AMP: PM2).

Baylor Genetics
Classification: Pathogenic for Familial cancer of breast. Last evaluated: 2022-06-10. Review status: criteria provided, single submitter. Criteria: ACMG Guidelines, 2015. Collection method: clinical testing. Allele origin: unknown. Not counted in ClinVar's aggregate classification.

Color Diagnostics, LLC DBA Color Health
Classification: Pathogenic for Hereditary cancer-predisposing syndrome. Last evaluated: 2020-01-15. Review status: criteria provided, single submitter. Criteria: ACMG Guidelines, 2015. Collection method: clinical testing. Allele origin: germline. Not counted in ClinVar's aggregate classification.
Comment: This variant changes 1 nucleotide in exon 11 of the BRCA2 gene, creating a premature translation stop signal. This variant is expected to result in an absent or non-functional protein product. This variant has not been identified in the general population by the Genome Aggregation Database (gnomAD). Loss of BRCA2 function is a known mechanism of disease. Based on the available evidence, this variant is classified as Pathogenic.

Breast Cancer Information Core (BIC) (BRCA2)
Classification: Pathogenic for Breast-ovarian cancer, familial 2. Last evaluated: 2004-02-20. Review status: no assertion criteria provided. Collection method: clinical testing. Allele origin: germline. Affected: yes. Observed: 1 variant allele. Not counted in ClinVar's aggregate classification.

Literature cited by the submitters: PubMed 20104584 (cited by Labcorp Genetics (formerly Invitae), Labcorp and Institute for Genomic Medicine (IGM) Clinical Laboratory, Nationwide Children's Hospital); PubMed 20122277 (cited by Institute for Genomic Medicine (IGM) Clinical Laboratory, Nationwide Children's Hospital).

NM_000059.4(BRCA2):c.4285C>T (p.Gln1429Ter)

Gene: BRCA2 (BRCA2 DNA repair associated; plus strand). Cytogenetic location: 13q13.1.
Variant type: single nucleotide variant.
Coding change: c.4285C>T on transcript NM_000059.4 (MANE Select); coding-DNA position 4285, C replaced by T.
Protein change: p.Gln1429Ter; replaces glutamine 1429 with a stop codon.
Molecular consequence: nonsense.
Genome position (GRCh38, 1-based): chr13:32,338,640, C>T. VCF-style: chr13-32338640-C-T. GRCh37 (hg19) VCF-style: chr13-32912777-C-T.
Other names: short protein forms Q1429*.
Identifiers: ClinVar variation 51627 (VCV000051627.21), dbSNP rs80358665, ClinGen allele CA019916.